The following is an entry in ClinVar:

ClinVar aggregate classification (germline): Uncertain significance. Review status: criteria provided, multiple submitters, no conflicts (2 of 4 stars). 2 submissions from 2 submitters: Uncertain significance (2). Last evaluated 2025-05-04.

Conditions:
Hypertrophic cardiomyopathy. Also called: HYPERTROPHIC MYOCARDIOPATHY. Identifiers: Orphanet 217569, MedGen C0007194, MeSH D002312, MONDO:0005045, HP:0001639.
Cardiovascular phenotype. Identifiers: MedGen CN230736.

Submissions (2):

Labcorp Genetics (formerly Invitae), Labcorp
Classification: Uncertain significance for Hypertrophic cardiomyopathy. Last evaluated: 2025-05-04. Review status: criteria provided, single submitter. Criteria: Invitae Variant Classification Sherloc (09022015). Collection method: clinical testing. Allele origin: germline.
Comment: This sequence change replaces cysteine, which is neutral and slightly polar, with tyrosine, which is neutral and polar, at codon 947 of the MYH7 protein (p.Cys947Tyr). This variant is not present in population databases (gnomAD no frequency). This missense change has been observed in individual(s) with hypertrophic cardiomyopathy (internal data). ClinVar contains an entry for this variant (Variation ID: 3230903). Invitae Evidence Modeling of protein sequence and biophysical properties (such as structural, functional, and spatial information, amino acid conservation, physicochemical variation, residue mobility, and thermodynamic stability) indicates that this missense variant is expected to disrupt MYH7 protein function with a positive predictive value of 95%. In summary, the available evidence is currently insufficient to determine the role of this variant in disease. Therefore, it has been classified as a Variant of Uncertain Significance.

Ambry Genetics
Classification: Uncertain significance for Cardiovascular phenotype. Last evaluated: 2024-02-20. Review status: criteria provided, single submitter. Criteria: Ambry Variant Classification Scheme 2023. Collection method: clinical testing. Allele origin: germline.
Comment: The p.C947Y variant (also known as c.2840G>A), located in coding exon 21 of the MYH7 gene, results from a G to A substitution at nucleotide position 2840. The cysteine at codon 947 is replaced by tyrosine, an amino acid with highly dissimilar properties. This amino acid position is highly conserved in available vertebrate species. In addition, this alteration is predicted to be deleterious by in silico analysis. Based on the available evidence, the clinical significance of this alteration remains unclear.

NM_000257.4(MYH7):c.2840G>A (p.Cys947Tyr)

Gene: MYH7 (myosin heavy chain 7; minus strand). Cytogenetic location: 14q11.2.
Variant type: single nucleotide variant.
Coding change: c.2840G>A on transcript NM_000257.4 (MANE Select); coding-DNA position 2840, G replaced by A.
Protein change: p.Cys947Tyr; replaces cysteine 947 with tyrosine.
Molecular consequence: missense variant.
Genome position (GRCh38, 1-based): chr14:23,423,989, C>T on the plus strand (G>A on the coding strand, the complement: MYH7 is on the minus strand). VCF-style: chr14-23423989-C-T. GRCh37 (hg19) VCF-style: chr14-23893198-C-T.
Other names: c.2840G>A, p.Cys947Tyr (NM_001407004.1); short protein forms C947Y.
Identifiers: ClinVar variation 3230903 (VCV003230903.3), dbSNP rs2502279543, ClinGen allele CA389046865.